The following is an entry in ClinVar:

ClinVar aggregate classification (germline): Uncertain significance. Review status: criteria provided, multiple submitters, no conflicts (2 of 4 stars). 3 submissions from 3 submitters: Uncertain significance (3). Last evaluated 2025-07-07.

Conditions:
Hereditary cancer-predisposing syndrome. Also called: Hereditary neoplastic syndrome; Neoplastic Syndromes, Hereditary; Tumor predisposition; Hereditary Cancer Syndrome. Identifiers: Orphanet 140162, MedGen C0027672, MeSH D009386, MONDO:0015356.
Ataxia-telangiectasia syndrome (AT). Also called: LOUIS-BAR SYNDROME; Cerebello-oculocutaneous telangiectasia; Immunodeficiency with ataxia telangiectasia; AT, COMPLEMENTATION GROUP C; Ataxia-telangiectasia, complementation group D; ATAXIA-TELANGIECTASIA, COMPLEMENTATION GROUP A. Identifiers: Orphanet 100, MedGen C0004135, MONDO:0008840, OMIM 208900.

Allele frequency attached by ClinVar (database versions not stated): gnomAD exomes below 0.00001.
gnomAD v4.1: 1 of 1,586,672 alleles (0.000063%); highest among the groups gnomAD compares: Non-Finnish European, 0.000086%; no homozygotes.

Submissions (3):

Labcorp Genetics (formerly Invitae), Labcorp
Classification: Uncertain significance for Ataxia-telangiectasia syndrome. Last evaluated: 2025-07-07. Review status: criteria provided, single submitter. Criteria: Invitae Variant Classification Sherloc (09022015). Collection method: clinical testing. Allele origin: germline.
Comment: This sequence change replaces aspartic acid, which is acidic and polar, with glycine, which is neutral and non-polar, at codon 1551 of the ATM protein (p.Asp1551Gly). This variant is not present in population databases (gnomAD no frequency). This variant has not been reported in the literature in individuals affected with ATM-related conditions. ClinVar contains an entry for this variant (Variation ID: 485214). Invitae Evidence Modeling of protein sequence and biophysical properties (such as structural, functional, and spatial information, amino acid conservation, physicochemical variation, residue mobility, and thermodynamic stability) indicates that this missense variant is not expected to disrupt ATM protein function with a negative predictive value of 95%. Algorithms developed to predict the effect of sequence changes on RNA splicing suggest that this variant may disrupt the consensus splice site. In summary, the available evidence is currently insufficient to determine the role of this variant in disease. Therefore, it has been classified as a Variant of Uncertain Significance.

Ambry Genetics
Classification: Uncertain significance for Hereditary cancer-predisposing syndrome. Last evaluated: 2024-09-09. Review status: criteria provided, single submitter. Criteria: Ambry Variant Classification Scheme 2023. Collection method: clinical testing. Allele origin: germline.
Comment: The p.D1551G variant (also known as c.4652A>G), located in coding exon 30 of the ATM gene, results from an A to G substitution at nucleotide position 4652. The aspartic acid at codon 1551 is replaced by glycine, an amino acid with similar properties. This amino acid position is highly conserved in available vertebrate species. In addition, the in silico prediction for this alteration is inconclusive. Based on the available evidence, the clinical significance of this variant remains unclear.

Genetic Services Laboratory, University of Chicago
Classification: Uncertain significance. Last evaluated: 2021-05-03. Review status: criteria provided, single submitter. Criteria: ACMG Guidelines, 2015. Collection method: clinical testing. Allele origin: germline. Affected: no.
Comment: DNA sequence analysis of the ATM gene demonstrated a sequence change, c.4652A>G, in exon 31 that results in an amino acid change, p.Asp1551Gly. This sequence change does not appear to have been previously described in patients with ATM-related disorders. This sequence change is absent in the gnomAD population database. The p.Asp1551Gly change affects a moderately conserved amino acid residue located in a domain of the ATM protein that is known to be functional. The p.Asp1551Gly substitution appears to be benign using several in-silico pathogenicity prediction tools (SIFT, PolyPhen2, Align GVGD, REVEL). Due to these contrasting evidences and the lack of functional studies, the clinical significance of the p.Asp1551Gly change remains unknown at this time.

Literature cited by the submitters: PubMed 25186627 (cited by Ambry Genetics).

NM_000051.4(ATM):c.4652A>G (p.Asp1551Gly)

Gene: ATM (ATM serine/threonine kinase; plus strand). Cytogenetic location: 11q22.3.
Variant type: single nucleotide variant.
Coding change: c.4652A>G on transcript NM_000051.4 (MANE Select); coding-DNA position 4652, A replaced by G.
Protein change: p.Asp1551Gly; replaces aspartic acid 1551 with glycine.
Molecular consequence: missense variant.
Genome position (GRCh38, 1-based): chr11:108,293,353, A>G. VCF-style: chr11-108293353-A-G. GRCh37 (hg19) VCF-style: chr11-108164080-A-G.
Other names: c.4652A>G, p.Asp1551Gly (NM_001351834.2); short protein forms D1551G.
Identifiers: ClinVar variation 485214 (VCV000485214.18), dbSNP rs1555100455, ClinGen allele CA382534654.
Genomic context (GRCh38, chr11:108,293,353, plus strand): 5'-TCTTTTTAAATTATATTTAGGTATTGGACTTGTTGAAATACTTAGTGATAGATAACAAGG[A>G]TAATGAAAACCTCTATATCACGATTAAGCTTTTAGATCCTTTTCCTGACCATGTTGTTTT-3'
Protein context (NP_000042.3, residues 1541-1561): LLKYLVIDNK[Asp1551Gly]NENLYITIKL